The following is an entry in ClinVar:

NM_001386393.1(PANK2):c.2T>A

Genes: PANK2 (pantothenate kinase 2; plus strand), LOC130065345 (ATAC-STARR-seq lymphoblastoid silent region 12635; plus strand). Cytogenetic location: 20p13.
Variant type: single nucleotide variant.
Coding change: c.2T>A on transcript NM_001386393.1 (MANE Select); coding-DNA position 2, T replaced by A.
Molecular consequence: initiator codon variant. On other transcripts: 5 prime UTR variant (1), missense variant (2), non-coding transcript variant (1), intron variant (1).
Genome position (GRCh38, 1-based): chr20:3,889,432, T>A. VCF-style: chr20-3889432-T-A. GRCh37 (hg19) VCF-style: chr20-3870079-T-A.
Other names: c.-710T>A (NM_001324191.2); c.332T>A, p.Leu111Gln (NM_001324192.1, NM_153638.4); c.-246+528T>A (NM_024960.6); short protein forms L111Q.
Identifiers: ClinVar variation 193506 (VCV000193506.26), dbSNP rs71647828, ClinGen allele CA200628.
Genomic context (GRCh38, chr20:3,889,432, plus strand): 5'-CGAGGGCGCGCCTCTGCTCTGGCTGGACTGCCGCGGAGGAGGCGAGAAGGAATCCGACGC[T>A]GGGGGGCTTGCTCGGGCGGCAGCGACTGCTGCTGCGGATGGGAGGGGGCCGGCTCGGCGC-3'

ClinVar aggregate classification (germline): Benign/Likely benign. Review status: criteria provided, multiple submitters, no conflicts (2 of 4 stars). 11 submissions from 11 submitters: Benign (6); Likely benign (2). 3 of the submissions do not count toward it. Last evaluated 2026-02-04.

Conditions:
Pigmentary pallidal degeneration (NBIA1). Also called: Neuroaxonal dystrophy, late infantile; Hallervorden-Spatz disease; Neurodegeneration with brain iron accumulation 1; PKAN NEUROAXONAL DYSTROPHY, JUVENILE-ONSET; HARP SYNDROME; Pantothenate Kinase-Associated Neurodegeneration. Identifiers: Orphanet 157850, MedGen C0018523, MONDO:0009319, OMIM 234200.

Allele frequency attached by ClinVar (database versions not stated): ESP Exome Variant Server 0.04545; gnomAD 0.06931 and 0.06976; TOPMed 0.07434; gnomAD exomes 0.08150; 1000 Genomes Project 0.08686; ExAC 0.12171.

Submissions (11):

Labcorp Genetics (formerly Invitae), Labcorp
Classification: Benign for Pigmentary pallidal degeneration. Last evaluated: 2026-02-04. Review status: criteria provided, single submitter. Criteria: Invitae Variant Classification Sherloc (09022015). Collection method: clinical testing. Allele origin: germline.

Unidad de Genómica Garrahan, Hospital de Pediatría Garrahan
Classification: Benign. Last evaluated: 2024-07-31. Review status: criteria provided, single submitter. Criteria: ACMG Guidelines, 2015. Collection method: clinical testing. Allele origin: germline. Affected: no. Observed: 28 variant alleles.
Comment: This variant is classified as Benign based on local population frequency. This variant was detected in 30% of patients studied in a panel designed for Epileptic and Developmental Encephalopathy, Progressive Myoclonus Epilepsy and Abnormal Movements and Neurodegeneration with brain iron accumulation. Number of patients: 28. Only high quality variants are reported.

Women's Health and Genetics/Laboratory Corporation of America, LabCorp
Classification: Likely benign. Last evaluated: 2021-12-10. Review status: criteria provided, single submitter. Criteria: LabCorp Variant Classification Summary - May 2015. Collection method: clinical testing. Allele origin: germline.

Mendelics
Classification: Benign for Pigmentary pallidal degeneration. Last evaluated: 2019-05-28. Review status: criteria provided, single submitter. Criteria: Mendelics Assertion Criteria 2017. Collection method: clinical testing. Allele origin: unknown.

GeneDx
Classification: Benign. Last evaluated: 2018-08-26. Review status: criteria provided, single submitter. Criteria: GeneDx Variant Classification Process June 2021. Collection method: clinical testing. Allele origin: germline. Affected: yes.
Comment: This variant is associated with the following publications: (PMID: 22221393)

Illumina Laboratory Services, Illumina
Classification: Benign for Pigmentary pallidal degeneration. Last evaluated: 2018-01-12. Review status: criteria provided, single submitter. Criteria: ICSL Variant Classification Criteria 13 December 2019. Collection method: clinical testing. Allele origin: germline.
Comment: This variant was observed in the ICSL laboratory as part of a predisposition screen in an ostensibly healthy population. It had not been previously curated by ICSL or reported in the Human Gene Mutation Database (HGMD: prior to June 1st, 2018), and was therefore a candidate for classification through an automated scoring system. Utilizing variant allele frequency, disease prevalence and penetrance estimates, and inheritance mode, an automated score was calculated to assess if this variant is too frequent to cause the disease. Based on the score and internal cut-off values, a variant classified as benign is not then subjected to further curation. The score for this variant resulted in a classification of benign for this disease.

Eurofins Ntd Llc (ga)
Classification: Benign. Last evaluated: 2015-01-13. Review status: criteria provided, single submitter. Criteria: EGL Classification Definitions 2015. Collection method: clinical testing. Allele origin: germline. Observed: 2 variant alleles, 2 heterozygotes.

Breakthrough Genomics
Classification: Likely benign. Review status: criteria provided, single submitter. Criteria: ACMG Guidelines, 2015. Collection method: not provided. Allele origin: germline. Inheritance: Autosomal recessive inheritance. Affected: yes.

Mayo Clinic Laboratories, Mayo Clinic
Classification: Benign. Last evaluated: 2016-02-23. Review status: no assertion criteria provided. Collection method: clinical testing. Allele origin: unknown. Not counted in ClinVar's aggregate classification.

Clinical Genetics DNA and cytogenetics Diagnostics Lab, Erasmus MC, Erasmus Medical Center
Classification: Benign. Review status: no assertion criteria provided. Collection method: clinical testing. Allele origin: germline. Affected: yes. Study: VKGL Data-share Consensus. Not counted in ClinVar's aggregate classification.

Genome Diagnostics Laboratory, Amsterdam University Medical Center
Classification: Benign. Review status: no assertion criteria provided. Collection method: clinical testing. Allele origin: germline. Affected: yes. Study: VKGL Data-share Consensus. Not counted in ClinVar's aggregate classification.